The following is an entry in ClinVar:

NM_005188.4(CBL):c.2300C>T (p.Ser767Leu)

Gene: CBL (Cbl proto-oncogene; plus strand). Cytogenetic location: 11q23.3.
Variant type: single nucleotide variant.
Coding change: c.2300C>T on transcript NM_005188.4 (MANE Select); coding-DNA position 2300, C replaced by T.
Protein change: p.Ser767Leu; replaces serine 767 with leucine.
Molecular consequence: missense variant.
Genome position (GRCh38, 1-based): chr11:119,298,406, C>T. VCF-style: chr11-119298406-C-T. GRCh37 (hg19) VCF-style: chr11-119169116-C-T.
Other names: short protein forms S767L.
Identifiers: ClinVar variation 1954450 (VCV001954450.5), dbSNP rs2135321006, ClinGen allele CA382929231.

ClinVar aggregate classification (germline): Uncertain significance (1 of 4 stars; one submission).

Conditions:
RASopathy. Also called: rasopathies; Noonan spectrum disorder. Identifiers: Orphanet 536391, MedGen C5555857, MONDO:0021060.

Submission:

Labcorp Genetics (formerly Invitae), Labcorp
Classification: Uncertain significance for RASopathy. Last evaluated: 2026-01-05. Review status: criteria provided, single submitter. Criteria: Invitae Variant Classification Sherloc (09022015). Collection method: clinical testing. Allele origin: germline.
Comment: This sequence change replaces serine, which is neutral and polar, with leucine, which is neutral and non-polar, at codon 767 of the CBL protein (p.Ser767Leu). This variant is not present in population databases (gnomAD no frequency). This variant has not been reported in the literature in individuals affected with CBL-related conditions. ClinVar contains an entry for this variant (Variation ID: 1954450). Invitae Evidence Modeling of protein sequence and biophysical properties (such as structural, functional, and spatial information, amino acid conservation, physicochemical variation, residue mobility, and thermodynamic stability) indicates that this missense variant is not expected to disrupt CBL protein function with a negative predictive value of 95%. In summary, the available evidence is currently insufficient to determine the role of this variant in disease. Therefore, it has been classified as a Variant of Uncertain Significance.